The following is an entry in ClinVar:

NM_000238.4(KCNH2):c.712G>A (p.Gly238Ser)

Gene: KCNH2 (potassium voltage-gated channel subfamily H member 2; minus strand). Cytogenetic location: 7q36.1.
Variant type: single nucleotide variant.
Coding change: c.712G>A on transcript NM_000238.4 (MANE Select); coding-DNA position 712, G replaced by A.
Protein change: p.Gly238Ser; replaces glycine 238 with serine.
Molecular consequence: missense variant.
Genome position (GRCh38, 1-based): chr7:150,958,263, C>T on the plus strand (G>A on the coding strand, the complement: KCNH2 is on the minus strand). VCF-style: chr7-150958263-C-T. GRCh37 (hg19) VCF-style: chr7-150655351-C-T.
Other names: c.712G>A (LRG_288t1); c.424G>A, p.Gly142Ser (NM_001406753.1, NM_001406756.1); c.535G>A, p.Gly179Ser (NM_001406755.1); c.412G>A, p.Gly138Ser (NM_001406757.1); c.712G>A, p.Gly238Ser (NM_172056.3); short protein forms G238S, G179S, G142S, G138S.
Identifiers: ClinVar variation 67519 (VCV000067519.6), dbSNP rs199473501, ClinGen allele CA008696.

ClinVar aggregate classification (germline): Uncertain significance. Review status: criteria provided, single submitter (1 of 4 stars). 2 submissions from 2 submitters: Uncertain significance (1). 1 of the submissions does not count toward it. Last evaluated 2024-01-15.

Conditions:
Familial long QT syndrome (RWS). Also called: Congenital long QT syndrome; Romano-Ward syndrome; VENTRICULAR FIBRILLATION WITH PROLONGED QT INTERVAL. Identifiers: Orphanet 768, MedGen C1141890, MONDO:0019171.
Long QT syndrome (LQTS). Identifiers: MedGen C0023976, MeSH D008133, MONDO:0002442. Disease mechanism: loss of function. Inheritance: Various modes of inheritance.

Allele frequency attached by ClinVar (database versions not stated): gnomAD 0.00001; TOPMed below 0.00001.

Submissions (2):

Labcorp Genetics (formerly Invitae), Labcorp
Classification: Uncertain significance for Long QT syndrome. Last evaluated: 2024-01-15. Review status: criteria provided, single submitter. Criteria: Invitae Variant Classification Sherloc (09022015). Collection method: clinical testing. Allele origin: germline.
Comment: This sequence change replaces glycine, which is neutral and non-polar, with serine, which is neutral and polar, at codon 238 of the KCNH2 protein (p.Gly238Ser). This variant is not present in population databases (gnomAD no frequency). This missense change has been observed in individual(s) with long QT syndrome (PMID: 15840476). ClinVar contains an entry for this variant (Variation ID: 67519). Algorithms developed to predict the effect of missense changes on protein structure and function output the following: SIFT: "Not Available"; PolyPhen-2: "Benign"; Align-GVGD: "Not Available". The serine amino acid residue is found in multiple mammalian species, which suggests that this missense change does not adversely affect protein function. In summary, the available evidence is currently insufficient to determine the role of this variant in disease. Therefore, it has been classified as a Variant of Uncertain Significance.

Cardiovascular Biomedical Research Unit, Royal Brompton & Harefield NHS Foundation Trust
No classification provided. Condition: Familial long QT syndrome. Review status: no classification provided. Collection method: literature only. Allele origin: germline. Not counted in ClinVar's aggregate classification.
Comment: This variant has been reported as associated with Long QT syndrome in the following publications (PMID:15840476). This is a literature report, and does not necessarily reflect the clinical interpretation of the Imperial College / Royal Brompton Cardiovascular Genetics laboratory.

Literature cited by the submitters: PubMed 15840476 (cited by Labcorp Genetics (formerly Invitae), Labcorp and Cardiovascular Biomedical Research Unit, Royal Brompton & Harefield NHS Foundation Trust); PubMed 22581653 (cited by Cardiovascular Biomedical Research Unit, Royal Brompton & Harefield NHS Foundation Trust).